The following is an entry in ClinVar:

ClinVar aggregate classification (germline): Uncertain significance. Review status: criteria provided, multiple submitters, no conflicts (2 of 4 stars). 2 submissions from 2 submitters: Uncertain significance (2). Last evaluated 2025-09-25.

Conditions:
Kabuki syndrome. Also called: NIIKAWA-KUROKI SYNDROME; Kabuki make-up syndrome. Identifiers: Orphanet 2322, MedGen C0796004, MONDO:0016512.

Submissions (2):

Labcorp Genetics (formerly Invitae), Labcorp
Classification: Uncertain significance for Kabuki syndrome. Last evaluated: 2025-09-25. Review status: criteria provided, single submitter. Criteria: Invitae Variant Classification Sherloc (09022015). Collection method: clinical testing. Allele origin: germline.
Comment: This variant, c.1377_1403del, results in the deletion of 9 amino acid(s) of the KMT2D protein (p.Ala464_Glu472del), but otherwise preserves the integrity of the reading frame. This variant is present in population databases (no rsID available, gnomAD 0.002%). This variant has not been reported in the literature in individuals affected with KMT2D-related conditions. ClinVar contains an entry for this variant (Variation ID: 1338611). Experimental studies and prediction algorithms are not available or were not evaluated, and the functional significance of this variant is currently unknown. In summary, the available evidence is currently insufficient to determine the role of this variant in disease. Therefore, it has been classified as a Variant of Uncertain Significance.

Genetic Services Laboratory, University of Chicago
Classification: Uncertain significance. Last evaluated: 2020-10-29. Review status: criteria provided, single submitter. Criteria: ACMG Guidelines, 2015. Collection method: clinical testing. Allele origin: germline. Affected: no.
Comment: This in-frame deletion is predicted to result in the deletion of 9 amino acid residues, p.Ala464_Glu472del. This sequence change does not appear to have been previously described in patients with KMT2D-related disorders. This particular sequence change has been described in the gnomAD database in two heterozygous individuals which corresponds to a population frequency of 0.00098% (dbSNP rs1376080610). The functional significance of this sequence change is not known at present and its contribution to this patient's disease phenotype cannot definitively be determined.

NM_003482.4(KMT2D):c.1377_1403del (p.Ala464_Glu472del)

Gene: KMT2D (lysine methyltransferase 2D; minus strand). Cytogenetic location: 12q13.12.
Variant type: Deletion.
Coding change: c.1377_1403del on transcript NM_003482.4 (MANE Select); coding-DNA positions 1377 to 1403, 27 bases deleted (CCCACCACCTGAGGCATCACGCCTGTC).
Protein change: p.Ala464_Glu472del.
Molecular consequence: inframe deletion.
Genome position (GRCh38, 1-based): chr12:49,052,280-49,052,306, GACAGGCGTGATGCCTCAGGTGGTGGG deleted on the plus strand (CCCACCACCTGAGGCATCACGCCTGTC on the coding strand, the reverse complement: KMT2D is on the minus strand); deleting any 27 consecutive bases within chr12:49,052,280-49,052,309 gives the same sequence; the c. name uses the placement nearest the transcript's 3' end. VCF-style (leftmost placement, unchanged base first): chr12-49052279-TGACAGGCGTGATGCCTCAGGTGGTGGG-T. GRCh37 (hg19) VCF-style: chr12-49446062-TGACAGGCGTGATGCCTCAGGTGGTGGG-T.
Identifiers: ClinVar variation 1338611 (VCV001338611.11), dbSNP rs1376080610, ClinGen allele CA605234080.
Genomic context (GRCh38, chr12:49,052,279, plus strand): 5'-CGGCCGGGACAGGTGCAATGCCTCAGGAAGTGGGGATGCGGGCAATTCCTCAGGTGGTGG[TGACAGGCGTGATGCCTCAGGTGGTGGG>T]GACGTGGGTGATTCCTCAGGTGGTGGGGACAGGGGTGACTCCTCAGGTGGGGGCAGCAGT-3'